The following is an entry in ClinVar:

ClinVar aggregate classification (germline): Uncertain significance (1 of 4 stars; one submission).

Submission:

ISCA site 4
Classification: Uncertain significance. Last evaluated: 2011-08-12. Review status: criteria provided, single submitter. Criteria: Kaminsky et al. (Genet Med. 2011). Collection method: clinical testing. Allele origin: unknown. Affected: yes. Observed: 1 variant allele.
Comment: Copy number variation identified through the course of routine clinical cytogenomic testing in postnatal populations. Clinical assertions have been curated as described in Kaminsky et al. 2011.

GRCh38/hg38 1q43-44(chr1:243264206-243677283)x1

Genes: AKT3 (AKT serine/threonine kinase 3; minus strand), MIR4677 (microRNA 4677; plus strand), SDCCAG8 (SHH signaling and ciliogenesis regulator SDCCAG8; plus strand), LOC122152351 (Sharpr-MPRA regulatory region 8354; plus strand), LOC122152352 (Sharpr-MPRA regulatory region 5448; plus strand) and 3 more. Cytogenetic location: 1q43-44.
Variant type: copy number loss.
Change: copy number 1 (one copy instead of two) of chr1:243,264,206-243,677,283 (413.1 kb, GRCh38 coordinates, 1-based), cytogenetic band 1q43-44.
Identifiers: ClinVar variation 59394 (VCV000059394.1).